The following is an entry in ClinVar:

NM_014762.4(DHCR24):c.1532G>A (p.Cys511Tyr)

Gene: DHCR24 (24-dehydrocholesterol reductase; minus strand). Cytogenetic location: 1p32.3.
Variant type: single nucleotide variant.
Coding change: c.1532G>A on transcript NM_014762.4 (MANE Select); coding-DNA position 1532, G replaced by A.
Protein change: p.Cys511Tyr; replaces cysteine 511 with tyrosine.
Molecular consequence: missense variant.
Genome position (GRCh38, 1-based): chr1:54,852,252, C>T on the plus strand (G>A on the coding strand, the complement: DHCR24 is on the minus strand). VCF-style: chr1-54852252-C-T. GRCh37 (hg19) VCF-style: chr1-55317925-C-T.
Other names: short protein forms C511Y.
Identifiers: ClinVar variation 807404 (VCV000807404.5), dbSNP rs200415528, ClinGen allele CA340469168.

ClinVar aggregate classification (germline): Conflicting classifications of pathogenicity. Review status: criteria provided, conflicting classifications (1 of 4 stars). 2 submissions from 2 submitters: Likely pathogenic (1); Uncertain significance (1). Last evaluated 2025-04-24.

Conditions:
Desmosterolosis. Identifiers: Orphanet 35107, MedGen C1865596, MONDO:0011217, OMIM 602398.

Allele frequency attached by ClinVar (database versions not stated): gnomAD exomes below 0.00001.

Submissions (2):

Women's Health and Genetics/Laboratory Corporation of America, LabCorp
Classification: Uncertain significance. Last evaluated: 2025-04-24. Review status: criteria provided, single submitter. Criteria: LabCorp Variant Classification Summary - May 2015. Collection method: clinical testing. Allele origin: germline.
Comment: Variant summary: DHCR24 c.1532G>A (p.Cys511Tyr) results in a non-conservative amino acid change in the encoded protein sequence. Four of five in-silico tools predict a damaging effect of the variant on protein function. The variant allele was found at a frequency of 4e-06 in 251434 control chromosomes. The available data on variant occurrences in the general population are insufficient to allow any conclusion about variant significance. c.1532G>A has been observed in a compound heterozygous individual affected with Desmosterolosis (Zech_2020, Brunet_2021)). These data do not allow any conclusion about variant significance. To our knowledge, no experimental evidence demonstrating an impact on protein function has been reported. The following publications have been ascertained in the context of this evaluation (PMID: 33619735, 33098801). ClinVar contains an entry for this variant (Variation ID: 807404). Based on the evidence outlined above, the variant was classified as uncertain significance.

Institute of Human Genetics Munich, TUM University Hospital
Classification: Likely pathogenic for Desmosterolosis. Last evaluated: 2018-09-13. Review status: criteria provided, single submitter. Criteria: Classification criteria August 2017. Collection method: clinical testing. Allele origin: maternal. Inheritance: Autosomal recessive inheritance. Affected: yes. Observed: 1 compound heterozygote.

Literature cited by the submitters: PubMed 33098801 (cited by Women's Health and Genetics/Laboratory Corporation of America, LabCorp); PubMed 33619735 (cited by Women's Health and Genetics/Laboratory Corporation of America, LabCorp).